The following is an entry in ClinVar:

NM_006662.3(SRCAP):c.7330C>T (p.Arg2444Ter)

Gene: SRCAP (Snf2 related CREBBP activator protein; plus strand). Cytogenetic location: 16p11.2.
Variant type: single nucleotide variant.
Coding change: c.7330C>T on transcript NM_006662.3 (MANE Select); coding-DNA position 7330, C replaced by T.
Protein change: p.Arg2444Ter; replaces arginine 2444 with a stop codon.
Molecular consequence: nonsense.
Genome position (GRCh38, 1-based): chr16:30,737,370, C>T. VCF-style: chr16-30737370-C-T. GRCh37 (hg19) VCF-style: chr16-30748691-C-T.
Other names: p.Arg2444Ter; short protein forms R2444*.
Identifiers: ClinVar variation 30908 (VCV000030908.100), dbSNP rs199469464, ClinGen allele CA342761.

ClinVar aggregate classification (germline): Pathogenic. Review status: criteria provided, multiple submitters, no conflicts (2 of 4 stars). 33 submissions from 33 submitters: Pathogenic (26). 7 of the submissions do not count toward it. Last evaluated 2025-10-21.

Conditions:
Developmental delay, hypotonia, musculoskeletal defects, and behavioral abnormalities. Identifiers: MedGen C5562012, MONDO:0859202, OMIM 619595.
SRCAP-related disorder. Also called: SRCAP-related condition.
Monogenic short statue.
Developmental delay. Also called: Delayed development. Identifiers: MedGen C0424605.
Inborn genetic diseases. Identifiers: MedGen C0950123, MeSH D030342.
Floating-Harbor syndrome (FLHS). Also called: Short stature with delayed bone age, expressive language delay, a triangular face with a prominent nose and deep-set eyes; Pelletier-Leisti syndrome; SRCAP-Related Floating-Harbor Syndrome. Identifiers: Orphanet 2044, MedGen C0729582, MONDO:0007621, OMIM 136140.
Neurodevelopmental delay. Identifiers: MedGen C4022738, HP:0012758.

Allele frequency attached by ClinVar (database versions not stated): gnomAD exomes below 0.00001.
gnomAD v4.1: 1 of 1,613,712 alleles (0.000062%); highest among the groups gnomAD compares: Non-Finnish European, 0.000085%; no homozygotes.

Submissions 1 to 16 of 33:

NHS Central & South Genomic Laboratory Hub
Classification: Pathogenic for Monogenic short statue. Last evaluated: 2025-10-21. Review status: criteria provided, single submitter. Criteria: ACMG Guidelines, 2015. Collection method: clinical testing. Allele origin: germline. Affected: yes.

Labcorp Genetics (formerly Invitae), Labcorp
Classification: Pathogenic. Last evaluated: 2025-10-10. Review status: criteria provided, single submitter. Criteria: Invitae Variant Classification Sherloc (09022015). Collection method: clinical testing. Allele origin: germline.
Comment: This sequence change creates a premature translational stop signal (p.Arg2444*) in the SRCAP gene. While this is not anticipated to result in nonsense mediated decay, it is expected to disrupt the last 787 amino acid(s) of the SRCAP protein. This variant is not present in population databases (gnomAD no frequency). This premature translational stop signal has been observed in individual(s) with Floating-Harbor syndrome (PMID: 22265015, 23621943, 24970356, 25433523). In at least one individual the variant was observed to be de novo. ClinVar contains an entry for this variant (Variation ID: 30908). For these reasons, this variant has been classified as Pathogenic.

3billion
Classification: Pathogenic for Floating-Harbor syndrome. Last evaluated: 2025-07-21. Review status: criteria provided, single submitter. Criteria: ACMG Guidelines, 2015. Collection method: clinical testing. Allele origin: germline. Affected: yes.
Comment: The variant is observed at an extremely low frequency in the gnomAD v4.1.0 dataset (total allele frequency: <0.001%). Predicted Consequence/Location: Stop-gained (nonsense): predicted to result in a loss or disruption of normal protein function through protein truncation. The predicted truncated protein may be shortened by more than 10%. The variant has been previously reported as assumed (i.e. paternity and maternity not confirmed) de novo in at least one similarly affected unrelated individual (PMID: 25433523). The variant has been reported at least twice as pathogenic with clinical assertions and evidence for the classification (ClinVar ID: VCV000030908 /PMID: 22265015 /3billion dataset). Therefore, this variant is classified as Pathogenic according to the recommendation of ACMG/AMP guideline.

Dasa
Classification: Pathogenic. Last evaluated: 2025-07-01. Review status: criteria provided, single submitter. Criteria: DASA Assertion Criteria. Collection method: clinical testing. Allele origin: germline.
Comment: NM_006662.3(SRCAP):c.7330C>T (p.Arg2444*) introduces a premature termination codon predicted to result in loss of normal protein function. Loss-of-function is an established mechanism of disease for this gene. De novo occurrence has been reported in an individual with related phenotype. This variant has been recurrently observed in individuals with related phenotype (PMID: 22265015; PMID: 23621943; PMID: 24970356; PMID: 25433523; PMID: 20358590). The variant is present at low frequency in population datasets. Based on the available data, this variant is classified as pathogenic.

Dubai Health Genomic Medicine Center, Dubai Health
Classification: Pathogenic for Developmental delay. Last evaluated: 2024-10-04. Review status: criteria provided, single submitter. Criteria: ACMG Guidelines, 2015. Collection method: research. Allele origin: germline. Affected: yes.
Comment: PVS1,PS2,PM2

Ambry Genetics
Classification: Pathogenic for Inborn genetic diseases. Last evaluated: 2024-09-04. Review status: criteria provided, single submitter. Criteria: Ambry Variant Classification Scheme 2023. Collection method: clinical testing. Allele origin: germline.
Comment: The c.7330C>T (p.R2444*) alteration, located in exon 34 (coding exon 32) of the SRCAP gene, consists of a C to T substitution at nucleotide position 7330. This changes the amino acid from an arginine (R) to a stop codon at amino acid position 2444. This alteration occurs at the 3' terminus of the SRCAP gene, is not expected to trigger nonsense-mediated mRNA decay and only impacts the last 24% of the protein. for Floating-Harbor syndrome; however, its clinical significance for SRCAP-related neurodevelopmental disorder is uncertain. This variant was not reported in population-based cohorts in the Genome Aggregation Database (gnomAD). The c.7330C>T, p.R2444* alteration has been previously reported in multiple unrelated patients with Floating-Harbor syndrome (Hood, 2012; Guo, 2014; Seifert, 2014; Zhu, 2015). Based on the available evidence, this alteration is classified as pathogenic.

CeGaT Center for Human Genetics Tuebingen
Classification: Pathogenic. Last evaluated: 2024-05-01. Review status: criteria provided, single submitter. Criteria: CeGaT Center For Human Genetics Tuebingen Variant Classification Criteria Version 2. Collection method: clinical testing. Allele origin: germline. Affected: yes. Observed: 6 variant alleles.
Comment: SRCAP: PS2:Very Strong, PVS1:Strong, PM2

Foundation for Research in Genetics and Endocrinology, FRIGE's Institute of Human Genetics
Classification: Pathogenic for Developmental delay, hypotonia, musculoskeletal defects, and behavioral abnormalities. Last evaluated: 2024-03-22. Review status: criteria provided, single submitter. Criteria: ACMG Guidelines, 2015. Collection method: clinical testing. Allele origin: germline. Inheritance: Autosomal dominant inheritance. Affected: yes. Observed: 1 heterozygote.
Comment: A heterozygous nonsense variant in exon 34 of the SRCAP gene that results in a stop codon and premature truncation of the protein at codon 2444 (p.Arg2444Ter) was detected. The variant has not been reported in the 1000 genomes, gnomAD (v3.1), gnomdAD (v2.1) and topmed databases. The in-silico prediction of the variant is damaging by MutationTster2. The reference codon is conserved across species. In summary, the variant meets our criteria to be classified as pathogenic.

Blueprint Genetics
Classification: Pathogenic for SRCAP-related disorders. Last evaluated: 2023-07-17. Review status: criteria provided, single submitter. Criteria: ACMG Guidelines, 2015. Collection method: clinical testing. Allele origin: de novo. Affected: yes. Observed: 3 variant alleles.

Laboratory of Medical Genetics, National & Kapodistrian University of Athens
Classification: Pathogenic for Floating-Harbor syndrome. Last evaluated: 2022-09-28. Review status: criteria provided, single submitter. Criteria: ACMG Guidelines, 2015. Collection method: clinical testing. Allele origin: de novo. Affected: yes.
Comment: PVS1, PS2, PM2, PP5

Clinical Genetics Laboratory, Skane University Hospital Lund
Classification: Pathogenic. Last evaluated: 2022-05-27. Review status: criteria provided, single submitter. Criteria: ACMG Guidelines, 2015. Collection method: clinical testing. Allele origin: germline. Affected: yes.

Laboratory of Human Genetics, Universidade de São Paulo
Classification: Pathogenic for Floating-Harbor syndrome. Last evaluated: 2022-05-13. Review status: criteria provided, single submitter. Criteria: ACMG Guidelines, 2015. Collection method: research. Allele origin: de novo. Affected: yes.
Comment: This variant meets our criteria to be classified as pathogenic based upon segregation studies, absence from controls, and in-silico evaluation of pathogenicity.

GeneDx
Classification: Pathogenic. Last evaluated: 2022-02-16. Review status: criteria provided, single submitter. Criteria: GeneDx Variant Classification Process June 2021. Collection method: clinical testing. Allele origin: germline. Affected: yes.
Comment: Nonsense variant in the C-terminus predicted to result in protein truncation, as the last 787 amino acids are lost, and other loss-of-function variants have been reported downstream in the Human Gene Mutation Database (HGMD); Not observed in large population cohorts (gnomAD); This variant is associated with the following publications: (PMID: 25590979, 23621943, 27815143, 31874661, 27206688, 24970356, 25433523, 22965468, 22265015, 27515243, 30425916, 31200758, 31630891, 27899421, 31715605, 33776628, 32939031, 33726816)

Genetics Laboratory, UDIAT-Centre Diagnòstic, Hospital Universitari Parc Tauli
Classification: Pathogenic. Last evaluated: 2021-04-26. Review status: criteria provided, single submitter. Criteria: Parc Tauli Hospital Assertion Criteria 2021. Collection method: clinical testing. Allele origin: de novo. Inheritance: Autosomal dominant inheritance. Affected: yes. Observed: 1 heterozygote.
Comment: PVS1_strong;PP5_very strong;PM2_supporting;PM6_moderate;PP3_supporting

Revvity Omics, Revvity
Classification: Pathogenic. Last evaluated: 2021-03-31. Review status: criteria provided, single submitter. Criteria: ACMG Guidelines, 2015. Collection method: clinical testing. Allele origin: germline.

Laboratorio de Genetica e Diagnostico Molecular, Hospital Israelita Albert Einstein
Classification: Pathogenic for Floating-Harbor syndrome. Last evaluated: 2021-02-23. Review status: criteria provided, single submitter. Criteria: ACMG Guidelines, 2015. Collection method: clinical testing. Allele origin: germline. Affected: yes.
Comment: ACMG classification criteria: PVS1 strong, PS4 moderate, PM1, PM2, PM6